The following is an entry in ClinVar:

ClinVar aggregate classification (germline): Uncertain significance (1 of 4 stars; one submission).

Conditions:
Emery-Dreifuss muscular dystrophy (EDMD). Also called: Scapuloperoneal syndrome, X-linked (formerly); Humeroperoneal neuromuscular disease, (formerly). Identifiers: Orphanet 261, MedGen C0410189, MONDO:0016830.

Submission:

Labcorp Genetics (formerly Invitae), Labcorp
Classification: Uncertain significance for Emery-Dreifuss muscular dystrophy. Last evaluated: 2023-10-03. Review status: criteria provided, single submitter. Criteria: Invitae Variant Classification Sherloc (09022015). Collection method: clinical testing. Allele origin: germline.
Comment: This sequence change replaces histidine, which is basic and polar, with tyrosine, which is neutral and polar, at codon 529 of the SUN2 protein (p.His529Tyr). This variant is not present in population databases (gnomAD no frequency). This variant has not been reported in the literature in individuals affected with SUN2-related conditions. An algorithm developed to predict the effect of missense changes on protein structure and function (PolyPhen-2) suggests that this variant is likely to be tolerated. In summary, the available evidence is currently insufficient to determine the role of this variant in disease. Therefore, it has been classified as a Variant of Uncertain Significance.

NM_015374.3(SUN2):c.1585C>T (p.His529Tyr)

Genes: GTPBP1 (GTP binding protein 1; plus strand), SUN2 (Sad1 and UNC84 domain containing 2; minus strand). Cytogenetic location: 22q13.1.
Variant type: single nucleotide variant.
Coding change: c.1585C>T on transcript NM_015374.3 (MANE Select); coding-DNA position 1585, C replaced by T.
Protein change: p.His529Tyr; replaces histidine 529 with tyrosine.
Molecular consequence: missense variant.
Genome position (GRCh38, 1-based): chr22:38,739,420, G>A on the plus strand (C>T on the coding strand, the complement: SUN2 is on the minus strand). VCF-style: chr22-38739420-G-A. GRCh37 (hg19) VCF-style: chr22-39135425-G-A.
Other names: c.1648C>T, p.His550Tyr (NM_001199579.2, NM_001394428.1); c.1585C>T, p.His529Tyr (NM_001199580.2, NM_001394431.1, NM_001394432.1 and 3 more transcripts); c.1678C>T, p.His560Tyr (NM_001394427.1); c.1630C>T, p.His544Tyr (NM_001394429.1, NM_001394430.1); c.1582C>T, p.His528Tyr (NM_001394436.1, NM_001394437.1); c.1495C>T, p.His499Tyr (NM_001394438.1); c.1447C>T, p.His483Tyr (NM_001394439.1, NM_001394440.1, NM_001394441.1); c.1186C>T, p.His396Tyr (NM_001394442.1); and 2 more; short protein forms H396Y, H483Y, H499Y, H365Y, H528Y, H529Y, H550Y, H560Y.
Identifiers: ClinVar variation 2869676 (VCV002869676.3), dbSNP rs2517972296, ClinGen allele CA411583987.